The following is an entry in ClinVar:

ClinVar aggregate classification (germline): Likely pathogenic (1 of 4 stars; one submission).

Conditions:
Polycystic kidney disease, adult type (PKD1). Also called: Polycystic Kidney Disease 1, Autosomal Dominant; Polycystic kidney disease 1; Polycystic kidney disease 1, severe; POLYCYSTIC KIDNEY DISEASE 1 WITH OR WITHOUT POLYCYSTIC LIVER DISEASE; POLYCYSTIC KIDNEY DISEASE, ADULT, TYPE I; Polycystic Kidney, Autosomal Dominant. Identifiers: MedGen C3149841, MONDO:0008263, OMIM 173900.

Submission:

Women's Health and Genetics/Laboratory Corporation of America, LabCorp
Classification: Likely pathogenic for Polycystic kidney disease, adult type. Last evaluated: 2026-02-26. Review status: criteria provided, single submitter. Criteria: LabCorp Variant Classification Summary - May 2015. Collection method: clinical testing. Allele origin: germline.
Comment: Variant summary: PKD1 c.11241_11269+39del68 is located in a canonical splice-site and is predicted to affect mRNA splicing resulting in a significantly altered protein due to either exon skipping, shortening, or inclusion of intronic material. Variants that disrupt the consensus splice site are a relatively common cause of aberrant splicing and loss of PKD1 function. Several computational tools predict a significant impact on normal splicing: Four predict the variant abolishes the canonical 5' splicing donor site. However, these predictions have yet to be confirmed by functional studies. The variant was absent in 230290 control chromosomes. To our knowledge, no occurrence of c.11241_11269+39del68 in individuals affected with PKD1-related conditions and no experimental evidence demonstrating its impact on protein function have been reported. No submitters have cited clinical-significance assessments for this variant to ClinVar. Based on the evidence outlined above, the variant was classified as likely pathogenic.

NM_001009944.3(PKD1):c.11241_11269+39del

Genes: PKD1 (polycystin 1, transient receptor potential channel interacting; minus strand), PKD1-AS1 (PKD1 antisense RNA 1; plus strand). Cytogenetic location: 16p13.3.
Variant type: Deletion.
Coding change: c.11241_11269+39del on transcript NM_001009944.3 (MANE Select); coding-DNA position 11241 through 39 bases into the intron after coding-DNA position 11269, 68 bases deleted.
Molecular consequence: splice donor variant.
Genome position (GRCh38, 1-based): chr16:2,092,441-2,092,508, 68 bases deleted. GRCh37 (hg19): chr16:2,142,444-2,142,511.
Other names: c.11241_11269+39del68 (NM_001009944.3); c.11238_11266+39del (NM_000296.4).
Identifiers: ClinVar variation 4847832 (VCV004847832.1).